The following is an entry in ClinVar:

ClinVar aggregate classification (germline): Pathogenic (1 of 4 stars; one submission).

Conditions:
Primary ciliary dyskinesia. Also called: Ciliary dyskinesia. Identifiers: Orphanet 244, MedGen C0008780, MONDO:0016575, HP:0012265.

Allele frequency attached by ClinVar (database versions not stated): gnomAD exomes below 0.00001.

Submission:

Labcorp Genetics (formerly Invitae), Labcorp
Classification: Pathogenic for Primary ciliary dyskinesia. Last evaluated: 2018-11-13. Review status: criteria provided, single submitter. Criteria: Invitae Variant Classification Sherloc (09022015). Collection method: clinical testing. Allele origin: germline.
Comment: This variant has not been reported in the literature in individuals with DNAH11-related disease. This variant is not present in population databases (ExAC no frequency). This sequence change creates a premature translational stop signal (p.Cys1651Serfs*15) in the DNAH11 gene. It is expected to result in an absent or disrupted protein product. Loss-of-function variants in DNAH11 are known to be pathogenic (PMID: 18022865, 20513915, 22184204). For these reasons, this variant has been classified as Pathogenic.

Literature cited by the submitters: PubMed 18022865; PubMed 20513915; PubMed 22184204.

NM_001277115.2(DNAH11):c.4950_4951del (p.Cys1651fs)

Gene: DNAH11 (dynein axonemal heavy chain 11; plus strand). Cytogenetic location: 7p15.3.
Variant type: Deletion.
Coding change: c.4950_4951del on transcript NM_001277115.2 (MANE Select); coding-DNA positions 4950 to 4951, 2 bases deleted (AT; older notation c.4950_4951delAT).
Protein change: p.Cys1651fs; shifts the reading frame from cysteine 1651.
Molecular consequence: frameshift variant.
Genome position (GRCh38, 1-based): chr7:21,655,837-21,655,838, AT deleted. VCF-style (leftmost placement, unchanged base first): chr7-21655836-CAT-C. GRCh37 (hg19) VCF-style: chr7-21695454-CAT-C.
Other names: short protein forms C1651fs.
Identifiers: ClinVar variation 652424 (VCV000652424.7), dbSNP rs1583567611, ClinGen allele CA915944889.